The following is an entry in ClinVar:

ClinVar aggregate classification (germline): Uncertain significance (1 of 4 stars; one submission).

Allele frequency attached by ClinVar (database versions not stated): gnomAD 0.00003; gnomAD exomes 0.00004 and 0.00005; ExAC 0.00007; 1000 Genomes Project 30x 0.00016; 1000 Genomes Project 0.00020.
gnomAD v4.1: 56 of 1,613,728 alleles (0.0035%); highest among the groups gnomAD compares: South Asian, 0.059%; no homozygotes.

Submission:

GeneDx
Classification: Uncertain significance. Last evaluated: 2021-01-11. Review status: criteria provided, single submitter. Criteria: GeneDx Variant Classification Process June 2021. Collection method: clinical testing. Allele origin: germline. Affected: yes.
Comment: In silico analysis supports that this missense variant does not alter protein structure/function; In silico analysis suggests this variant may impact gene splicing. In the absence of RNA/functional studies, the actual effect of this sequence change is unknown.; Has not been previously published as pathogenic or benign to our knowledge

NM_001378452.1(ITPR1):c.4409C>T (p.Ala1470Val)

Gene: ITPR1 (inositol 1,4,5-trisphosphate receptor type 1; plus strand). Cytogenetic location: 3p26.1.
Variant type: single nucleotide variant.
Coding change: c.4409C>T on transcript NM_001378452.1 (MANE Select); coding-DNA position 4409, C replaced by T.
Protein change: p.Ala1470Val; replaces alanine 1470 with valine.
Molecular consequence: missense variant.
Genome position (GRCh38, 1-based): chr3:4,699,814, C>T. VCF-style: chr3-4699814-C-T. GRCh37 (hg19) VCF-style: chr3-4741498-C-T.
Other names: c.4382C>T, p.Ala1461Val (NM_001099952.4); c.4364C>T, p.Ala1455Val (NM_001168272.2); c.4337C>T, p.Ala1446Val (NM_002222.7); short protein forms A1446V, A1455V, A1461V, A1470V.
Identifiers: ClinVar variation 1302404 (VCV001302404.2), dbSNP rs556452894, ClinGen allele CA2231989.
Genomic context (GRCh38, chr3:4,699,814, plus strand): 5'-TTTCTTAATGTTTGGTGTAGGTTTTGGTGTAATGCTTAACATACCCACTTGTCTTCCAGG[C>T]CTGTAACAACACTAGTGACAGGAAACATGCAGACTCGATTTTGGAGAAGTATGTCACCGA-3'
Protein context (NP_001365381.1, residues 1460-1480): FENFLVDICR[Ala1470Val]CNNTSDRKHA